The following is an entry in ClinVar:

NM_020812.4(DOCK6):c.5833-16C>G

Gene: DOCK6 (dedicator of cytokinesis 6; minus strand). Cytogenetic location: 19p13.2.
Variant type: single nucleotide variant.
Coding change: c.5833-16C>G on transcript NM_020812.4 (MANE Select); 16 bases into the intron before coding-DNA position 5833, C replaced by G.
Molecular consequence: intron variant.
Genome position (GRCh38, 1-based): chr19:11,200,838, G>C on the plus strand (C>G on the coding strand, the complement: DOCK6 is on the minus strand). VCF-style: chr19-11200838-G-C. GRCh37 (hg19) VCF-style: chr19-11311514-G-C.
Other names: c.5938-16C>G (NM_001367830.1).
Identifiers: ClinVar variation 1991274 (VCV001991274.5), dbSNP rs199764395, ClinGen allele CA9206321.

ClinVar aggregate classification (germline): Likely benign. Review status: criteria provided, multiple submitters, no conflicts (2 of 4 stars). 3 submissions from 3 submitters: Likely benign (3). Last evaluated 2026-02-03.

Allele frequency attached by ClinVar (database versions not stated): 1000 Genomes Project 30x 0.00016; 1000 Genomes Project 0.00020; ESP Exome Variant Server 0.00049; gnomAD 0.00056; TOPMed 0.00061; ExAC 0.00066; gnomAD exomes 0.00093.
gnomAD v4.1: 1,421 of 1,612,870 alleles (0.088%); highest among the groups gnomAD compares: Non-Finnish European, 0.11%; no homozygotes.

Submissions (3):

Labcorp Genetics (formerly Invitae), Labcorp
Classification: Likely benign. Last evaluated: 2026-02-03. Review status: criteria provided, single submitter. Criteria: Invitae Variant Classification Sherloc (09022015). Collection method: clinical testing. Allele origin: germline.

Blueprint Genetics
Classification: Likely benign. Last evaluated: 2024-11-27. Review status: criteria provided, single submitter. Criteria: ACMG Guidelines, 2015. Collection method: clinical testing. Allele origin: germline.

Women's Health and Genetics/Laboratory Corporation of America, LabCorp
Classification: Likely benign. Last evaluated: 2024-11-19. Review status: criteria provided, single submitter. Criteria: LabCorp Variant Classification Summary - May 2015. Collection method: clinical testing. Allele origin: germline.
Comment: Variant summary: DOCK6 c.5833-16C>G alters a nucleotide located at a position not widely known to affect splicing. Consensus agreement among computation tools predict no significant impact on normal splicing. However, these predictions have yet to be confirmed by functional studies. The variant allele was found at a frequency of 0.0007 in 248750 control chromosomes. This frequency is not significantly higher than estimated for a pathogenic variant in DOCK6 causing Adams-Oliver Syndrome 2, allowing no conclusion about variant significance. To our knowledge, no occurrence of c.5833-16C>G in individuals affected with Adams-Oliver Syndrome 2 and no experimental evidence demonstrating its impact on protein function have been reported. ClinVar contains an entry for this variant (Variation ID: 1991274). Based on the evidence outlined above, the variant was classified as likely benign.